The following is an entry in ClinVar:

NC_012920.1(MT-ND6):m.14660A>G

Gene: MT-ND6 (mitochondrially encoded NADH dehydrogenase 6; minus strand).
Variant type: single nucleotide variant.
Genome position: chrM-14660-A-G.
Identifiers: ClinVar variation 693750 (VCV000693750.1), dbSNP rs1603224821, ClinGen allele CA414823484.

ClinVar aggregate classification (germline): Uncertain significance (1 of 4 stars; one submission).

Conditions:
Leigh syndrome (NULS). Also called: Leigh's necrotizing encephalopathy; Leigh's disease; Leigh's syndrome; LEIGH SYNDROME, NUCLEAR; Leigh Syndrome (mtDNA deletion); Leigh Disease. Identifiers: Orphanet 506, MedGen C2931891, MONDO:0009723, OMIM 256000.

Submission:

Wong Mito Lab, Molecular and Human Genetics, Baylor College of Medicine
Classification: Uncertain significance for Leigh syndrome. Last evaluated: 2019-10-17. Review status: criteria provided, single submitter. Criteria: Modified ACMG Guidelines (Unpublished). Collection method: clinical testing. Allele origin: germline.
Comment: The NC_012920.1:m.14660A>G (YP_003024037.1:p.Leu5Ser) variant in MTND6 gene is interpretated to be a Uncertain Significance variant based on the modified ACMG guidelines (unpublished). This variant meets the following evidence codes: PP7